The following is an entry in ClinVar:

ClinVar aggregate classification (germline): Uncertain significance. Review status: criteria provided, multiple submitters, no conflicts (2 of 4 stars). 2 submissions from 2 submitters: Uncertain significance (2). Last evaluated 2022-07-06.

Conditions:
HNSHA due to aldolase A deficiency (GSD12). Also called: GLYCOGEN STORAGE DISEASE XII; GSD XII; RED CELL ALDOLASE DEFICIENCY; Glycogen storage disease due to aldolase A deficiency. Identifiers: Orphanet 57, MedGen C0272066, MONDO:0012747, OMIM 611881.

Allele frequency attached by ClinVar (database versions not stated): gnomAD 0.00001; gnomAD exomes 0.00004 and 0.00013; ExAC 0.00005; 1000 Genomes Project 30x 0.00016; 1000 Genomes Project 0.00020.
gnomAD v4.1: 185 of 1,614,158 alleles (0.011%); highest among the groups gnomAD compares: Non-Finnish European, 0.014%; no homozygotes.

Submissions (2):

Labcorp Genetics (formerly Invitae), Labcorp
Classification: Uncertain significance for HNSHA due to aldolase A deficiency. Last evaluated: 2022-07-06. Review status: criteria provided, single submitter. Criteria: Invitae Variant Classification Sherloc (09022015). Collection method: clinical testing. Allele origin: germline.
Comment: This sequence change replaces arginine, which is basic and polar, with histidine, which is basic and polar, at codon 201 of the ALDOA protein (p.Arg201His). This variant is present in population databases (rs534264493, gnomAD 0.02%). This variant has not been reported in the literature in individuals affected with ALDOA-related conditions. ClinVar contains an entry for this variant (Variation ID: 423153). Algorithms developed to predict the effect of missense changes on protein structure and function output the following: SIFT: "Deleterious"; PolyPhen-2: "Benign"; Align-GVGD: "Class C0". The histidine amino acid residue is found in multiple mammalian species, which suggests that this missense change does not adversely affect protein function. In summary, the available evidence is currently insufficient to determine the role of this variant in disease. Therefore, it has been classified as a Variant of Uncertain Significance.

GeneDx
Classification: Uncertain significance. Last evaluated: 2017-11-01. Review status: criteria provided, single submitter. Criteria: GeneDx Variant Classification (06012015). Collection method: clinical testing. Allele origin: germline. Affected: yes.
Comment: The R201H variant in the ALDOA gene has not been reported previously as a pathogenic variant, nor as a benign variant, to our knowledge. The R201H variant is not observed at a significant frequency in large population cohorts (Lek et al., 2016; 1000 Genomes Consortium et al., 2015; Exome Variant Server). The R201H variant is a conservative amino acid substitution, which is not likely to impact secondary protein structure as these residues share similar properties. This substitution occurs at a position that is conserved in mammals. In silico analysis predicts this variant is probably damaging to the protein structure/function. We interpret R201H as a variant of uncertain significance.

NM_001243177.4(ALDOA):c.764G>A (p.Arg255His)

Genes: ALDOA (aldolase, fructose-bisphosphate A; plus strand), LOC112694756 (uncharaterized LOC112694756; plus strand). Cytogenetic location: 16p11.2.
Variant type: single nucleotide variant.
Coding change: c.764G>A on transcript NM_001243177.4 (MANE Select); coding-DNA position 764, G replaced by A.
Protein change: p.Arg255His; replaces arginine 255 with histidine.
Molecular consequence: missense variant. On other transcripts: 3 prime UTR variant (3).
Genome position (GRCh38, 1-based): chr16:30,069,367, G>A. VCF-style: chr16-30069367-G-A. GRCh37 (hg19) VCF-style: chr16-30080688-G-A.
Other names: c.*1111G>A (NM_001365304.2, NM_001365305.2, NM_001365307.2); c.602G>A, p.Arg201His (NM_001127617.2, NM_184041.5, NM_184043.2); short protein forms R201H, R255H.
Identifiers: ClinVar variation 423153 (VCV000423153.6), dbSNP rs534264493, ClinGen allele CA8001052.